The following is an entry in ClinVar:

NM_012079.6(DGAT1):c.127G>T (p.Ala43Ser)

Genes: DGAT1 (diacylglycerol O-acyltransferase 1; minus strand), LOC130001385 (ATAC-STARR-seq lymphoblastoid silent region 19672; plus strand). Cytogenetic location: 8q24.3.
Variant type: single nucleotide variant.
Coding change: c.127G>T on transcript NM_012079.6 (MANE Select); coding-DNA position 127, G replaced by T.
Protein change: p.Ala43Ser; replaces alanine 43 with serine.
Molecular consequence: missense variant.
Genome position (GRCh38, 1-based): chr8:144,326,510, C>A on the plus strand (G>T on the coding strand, the complement: DGAT1 is on the minus strand). VCF-style: chr8-144326510-C-A. GRCh37 (hg19) VCF-style: chr8-145550173-C-A.
Other names: short protein forms A43S.
Identifiers: ClinVar variation 3642661 (VCV003642661.1).

ClinVar aggregate classification (germline): Uncertain significance (1 of 4 stars; one submission).

Submission:

Labcorp Genetics (formerly Invitae), Labcorp
Classification: Uncertain significance. Last evaluated: 2024-02-22. Review status: criteria provided, single submitter. Criteria: Invitae Variant Classification Sherloc (09022015). Collection method: clinical testing. Allele origin: germline.
Comment: This sequence change replaces alanine, which is neutral and non-polar, with serine, which is neutral and polar, at codon 43 of the DGAT1 protein (p.Ala43Ser). This variant is not present in population databases (gnomAD no frequency). This variant has not been reported in the literature in individuals affected with DGAT1-related conditions. Experimental studies and prediction algorithms are not available or were not evaluated, and the functional significance of this variant is currently unknown. In summary, the available evidence is currently insufficient to determine the role of this variant in disease. Therefore, it has been classified as a Variant of Uncertain Significance.